The following is an entry in ClinVar:

NM_002764.4(PRPS1):c.-45AGC[3]

Gene: PRPS1 (phosphoribosyl pyrophosphate synthetase 1; plus strand). Cytogenetic location: Xq22.3.
Variant type: Microsatellite.
Coding change: c.-45AGC[3] on transcript NM_002764.4 (MANE Select); three copies in a row of the 3-base unit AGC starting at c.-45; the reference has two copies in a row; one copy, 3 bases duplicated.
Molecular consequence: 5 prime UTR variant.
Genome position (GRCh38, 1-based): chrX:107,628,587-107,628,589, AGC duplicated; duplicating any 3 consecutive bases within chrX:107,628,582-107,628,589 gives the same sequence; the position shown is the placement nearest the transcript's 3' end. VCF-style (leftmost placement, unchanged base first): chrX-107628581-T-TGCA. GRCh37 (hg19) VCF-style: chrX-106871811-T-TGCA.
Other names: c.-249AGC[3] (NM_001204402.2); c.-42_-40dupAGC (NM_002764.3).
Identifiers: ClinVar variation 421764 (VCV000421764.1), dbSNP rs1556297570, ClinGen allele CA16621170.
Genomic context (GRCh38, chrX:107,628,581, plus strand): 5'-GCGGAGTAGCAACGCAAAGCGCTTGGTATTGAGTCTGTGGCCGACTTCGGTTCCGGTCTC[T>TGCA]GCAGCAGCCGTGATCGCTTAGTGGAGTGCTTAGGGTAGTTGGCCAGGATGCCGAATATCA-3'

ClinVar aggregate classification (germline): Likely benign (1 of 4 stars; one submission).

Submission:

GeneDx
Classification: Likely benign. Last evaluated: 2016-08-03. Review status: criteria provided, single submitter. Criteria: GeneDx Variant Classification (06012015). Collection method: clinical testing. Allele origin: germline. Affected: yes.
Comment: This variant is considered likely benign or benign based on one or more of the following criteria: it is a conservative change, it occurs at a poorly conserved position in the protein, it is predicted to be benign by multiple in silico algorithms, and/or has population frequency not consistent with disease.